The following is an entry in ClinVar:

NM_030662.4(MAP2K2):c.99C>G (p.Asn33Lys)

Gene: MAP2K2 (mitogen-activated protein kinase kinase 2; minus strand). Cytogenetic location: 19p13.3.
Variant type: single nucleotide variant.
Coding change: c.99C>G on transcript NM_030662.4 (MANE Select); coding-DNA position 99, C replaced by G.
Protein change: p.Asn33Lys; replaces asparagine 33 with lysine.
Molecular consequence: missense variant.
Genome position (GRCh38, 1-based): chr19:4,117,623, G>C on the plus strand (C>G on the coding strand, the complement: MAP2K2 is on the minus strand). VCF-style: chr19-4117623-G-C. GRCh37 (hg19) VCF-style: chr19-4117621-G-C.
Other names: short protein forms N33K.
Identifiers: ClinVar variation 3730382 (VCV003730382.2).
Genomic context (GRCh38, chr19:4,117,623, plus strand): 5'-CCGCTTCTTCTGCTGCTCGTCAAGTTCCAGCTCCTCCAGCTTCTTCTGCAGGTCCACCAG[G>C]TTTGCCCTGCAGAGACCCCCCAGGGTAGGGGTTAGCTACCTAGGGAGACTCCATCTGGCC-3'
Protein context (NP_109587.1, residues 23-43): SPTSEGASEA[Asn33Lys]LVDLQKKLEE

ClinVar aggregate classification (germline): Uncertain significance (1 of 4 stars; one submission).

Conditions:
RASopathy. Also called: rasopathies; Noonan spectrum disorder. Identifiers: Orphanet 536391, MedGen C5555857, MONDO:0021060.

gnomAD v4.1: 8 of 1,613,828 alleles (0.0005%); highest among the groups gnomAD compares: Non-Finnish European, 0.00059%; no homozygotes.

Submission:

Labcorp Genetics (formerly Invitae), Labcorp
Classification: Uncertain significance for RASopathy. Last evaluated: 2025-06-12. Review status: criteria provided, single submitter. Criteria: Invitae Variant Classification Sherloc (09022015). Collection method: clinical testing. Allele origin: germline.
Comment: This sequence change replaces asparagine, which is neutral and polar, with lysine, which is basic and polar, at codon 33 of the MAP2K2 protein (p.Asn33Lys). This variant is not present in population databases (gnomAD no frequency). This variant has not been reported in the literature in individuals affected with MAP2K2-related conditions. ClinVar contains an entry for this variant (Variation ID: 3730382). Invitae Evidence Modeling of protein sequence and biophysical properties (such as structural, functional, and spatial information, amino acid conservation, physicochemical variation, residue mobility, and thermodynamic stability) indicates that this missense variant is not expected to disrupt MAP2K2 protein function with a negative predictive value of 95%. In summary, the available evidence is currently insufficient to determine the role of this variant in disease. Therefore, it has been classified as a Variant of Uncertain Significance.